The following is an entry in ClinVar:

NM_001267550.2(TTN):c.58857A>C (p.Glu19619Asp)

Genes: TTN (titin; minus strand), TTN-AS1 (TTN antisense RNA 1; plus strand). Cytogenetic location: 2q31.2.
Variant type: single nucleotide variant.
Coding change: c.58857A>C on transcript NM_001267550.2 (MANE Select); coding-DNA position 58857, A replaced by C.
Protein change: p.Glu19619Asp; replaces glutamic acid 19619 with aspartic acid.
Molecular consequence: missense variant.
Genome position (GRCh38, 1-based): chr2:178,593,351, T>G on the plus strand (A>C on the coding strand, the complement: TTN is on the minus strand). VCF-style: chr2-178593351-T-G. GRCh37 (hg19) VCF-style: chr2-179458078-T-G.
Other names: p.E17051D:GAA>GAC; c.53934A>C, p.Glu17978Asp (NM_001256850.1); c.31662A>C, p.Glu10554Asp (NM_003319.4); c.51153A>C, p.Glu17051Asp (NM_133378.4); c.32037A>C, p.Glu10679Asp (NM_133432.3); c.32238A>C, p.Glu10746Asp (NM_133437.4); short protein forms E17051D, E19619D, E10746D, E17978D, E10554D, E10679D.
Identifiers: ClinVar variation 202312 (VCV000202312.12), dbSNP rs368026488, ClinGen allele CA309052.

ClinVar aggregate classification (germline): Conflicting classifications of pathogenicity. Review status: criteria provided, conflicting classifications (1 of 4 stars). 5 submissions from 5 submitters: Uncertain significance (4); Likely benign (1). Last evaluated 2026-01-26.

Conditions:
Dilated cardiomyopathy 1G (CMD1G). Identifiers: Orphanet 154, MedGen C1858763, MONDO:0011400, OMIM 604145.
Autosomal recessive limb-girdle muscular dystrophy type 2J (LGMDR10). Also called: MUSCULAR DYSTROPHY, LIMB-GIRDLE, AUTOSOMAL RECESSIVE 10; Limb-girdle muscular dystrophy, type 2J. Identifiers: Orphanet 140922, MedGen C1837342, MONDO:0012127, OMIM 608807.
TTN-related disorder. Also called: TTN-related disorders; TTN-related condition; TTN-related disease.
Cardiovascular phenotype. Identifiers: MedGen CN230736.

Allele frequency attached by ClinVar (database versions not stated): ExAC 0.00001; TOPMed 0.00005; ESP Exome Variant Server 0.00008; gnomAD exomes 0.00003 and 0.00001; gnomAD 0.00009.
gnomAD v4.1: 22 of 1,613,254 alleles (0.0014%); highest among the groups gnomAD compares: African/African-American, 0.029%; no homozygotes.

Submissions (5):

PreventionGenetics, part of Exact Sciences
Classification: Uncertain significance for TTN-related condition. Last evaluated: 2026-01-26. Review status: criteria provided, single submitter. Criteria: ACMG Guidelines, 2015. Collection method: clinical testing. Allele origin: germline.
Comment: The TTN c.58857A>C variant is predicted to result in the amino acid substitution p.Glu19619Asp. To our knowledge, this variant has not been reported in the literature. This variant is reported in 0.050% of alleles in individuals of African descent in gnomAD. At this time, the clinical significance of this variant is uncertain due to the absence of conclusive functional and genetic evidence.

Revvity Omics, Revvity
Classification: Uncertain significance. Last evaluated: 2020-03-26. Review status: criteria provided, single submitter. Criteria: ACMG Guidelines, 2015. Collection method: clinical testing. Allele origin: germline.

Ambry Genetics
Classification: Uncertain significance for Cardiovascular phenotype. Last evaluated: 2020-01-29. Review status: criteria provided, single submitter. Criteria: Ambry Variant Classification Scheme 2023. Collection method: clinical testing. Allele origin: germline.
Comment: The p.E10554D variant (also known as c.31662A>C), located in coding exon 126 of the TTN gene, results from an A to C substitution at nucleotide position 31662. The glutamic acid at codon 10554 is replaced by aspartic acid, an amino acid with highly similar properties. This amino acid position is highly conserved in available vertebrate species. In addition, this alteration is predicted to be tolerated by in silico analysis. Since supporting evidence is limited at this time, the clinical significance of this alteration remains unclear.

GeneDx
Classification: Likely benign. Last evaluated: 2018-08-13. Review status: criteria provided, single submitter. Criteria: GeneDx Variant Classification Process June 2021. Collection method: clinical testing. Allele origin: germline. Affected: yes.

Labcorp Genetics (formerly Invitae), Labcorp
Classification: Uncertain significance for Dilated cardiomyopathy 1G; Autosomal recessive limb-girdle muscular dystrophy type 2J. Last evaluated: 2017-11-20. Review status: criteria provided, single submitter. Criteria: Invitae Variant Classification Sherloc (09022015). Collection method: clinical testing. Allele origin: germline.